The following is an entry in ClinVar:

NM_023936.2(MRPS34):c.432G>C (p.Lys144Asn)

Gene: MRPS34 (mitochondrial ribosomal protein S34; minus strand). Cytogenetic location: 16p13.3.
Variant type: single nucleotide variant.
Coding change: c.432G>C on transcript NM_023936.2 (MANE Select); coding-DNA position 432, G replaced by C.
Protein change: p.Lys144Asn; replaces lysine 144 with asparagine.
Molecular consequence: missense variant.
Genome position (GRCh38, 1-based): chr16:1,772,446, C>G on the plus strand (G>C on the coding strand, the complement: MRPS34 is on the minus strand). VCF-style: chr16-1772446-C-G. GRCh37 (hg19) VCF-style: chr16-1822447-C-G.
Other names: c.453G>C, p.Lys151Asn (NM_001300900.2); c.432G>C (NM_023936.1); short protein forms K144N, K151N.
Identifiers: ClinVar variation 2181860 (VCV002181860.3), dbSNP rs372113338, ClinGen allele CA7818341.

ClinVar aggregate classification (germline): Uncertain significance. Review status: criteria provided, multiple submitters, no conflicts (2 of 4 stars). 3 submissions from 3 submitters: Uncertain significance (3). Last evaluated 2024-11-19.

Conditions:
Inborn genetic diseases. Identifiers: MedGen C0950123, MeSH D030342.

Allele frequency attached by ClinVar (database versions not stated): gnomAD 0.00003; TOPMed 0.00005; ESP Exome Variant Server 0.00008; ExAC 0.00012.

Submissions (3):

Blueprint Genetics
Classification: Uncertain significance. Last evaluated: 2024-11-19. Review status: criteria provided, single submitter. Criteria: ACMG Guidelines, 2015. Collection method: clinical testing. Allele origin: germline.

Labcorp Genetics (formerly Invitae), Labcorp
Classification: Uncertain significance. Last evaluated: 2022-08-16. Review status: criteria provided, single submitter. Criteria: Invitae Variant Classification Sherloc (09022015). Collection method: clinical testing. Allele origin: germline.
Comment: This sequence change replaces lysine, which is basic and polar, with asparagine, which is neutral and polar, at codon 151 of the MRPS34 protein (p.Lys151Asn). This variant is present in population databases (rs372113338, gnomAD 0.06%). This variant has not been reported in the literature in individuals affected with MRPS34-related conditions. Algorithms developed to predict the effect of missense changes on protein structure and function are either unavailable or do not agree on the potential impact of this missense change (SIFT: "Deleterious"; PolyPhen-2: "Possibly Damaging"; Align-GVGD: "Class C0"). In summary, the available evidence is currently insufficient to determine the role of this variant in disease. Therefore, it has been classified as a Variant of Uncertain Significance.

Ambry Genetics
Classification: Uncertain significance for Inborn genetic diseases. Last evaluated: 2021-07-14. Review status: criteria provided, single submitter. Criteria: Ambry Variant Classification Scheme 2023. Collection method: clinical testing. Allele origin: germline.